The following is an entry in ClinVar:

NM_138694.4(PKHD1):c.6761T>G (p.Val2254Gly)

Gene: PKHD1 (PKHD1 ciliary IPT domain containing fibrocystin/polyductin; minus strand). Cytogenetic location: 6p12.2.
Variant type: single nucleotide variant.
Coding change: c.6761T>G on transcript NM_138694.4 (MANE Select); coding-DNA position 6761, T replaced by G.
Protein change: p.Val2254Gly; replaces valine 2254 with glycine.
Molecular consequence: missense variant.
Genome position (GRCh38, 1-based): chr6:51,906,262, A>C on the plus strand (T>G on the coding strand, the complement: PKHD1 is on the minus strand). VCF-style: chr6-51906262-A-C. GRCh37 (hg19) VCF-style: chr6-51771060-A-C.
Other names: c.6761T>G (NM_138694.3); c.6761T>G, p.Val2254Gly (NM_170724.3); short protein forms V2254G.
Identifiers: ClinVar variation 1947246 (VCV001947246.6), dbSNP rs2536571512, ClinGen allele CA364432593.

ClinVar aggregate classification (germline): Conflicting classifications of pathogenicity. Review status: criteria provided, conflicting classifications (1 of 4 stars). 3 submissions from 3 submitters: Pathogenic (1); Likely pathogenic (1); Uncertain significance (1). Last evaluated 2026-04-11.

Conditions:
PKHD1-related disorder. Also called: PKHD1-related condition.
Polycystic kidney disease 4 (PKD4). Also called: POLYCYSTIC KIDNEY AND HEPATIC DISEASE 1; POLYCYSTIC KIDNEY DISEASE, INFANTILE, TYPE I; POLYCYSTIC KIDNEY DISEASE 4 WITH OR WITHOUT POLYCYSTIC LIVER DISEASE; PKD3; Autosomal Recessive Polycystic Kidney Disease – PKHD1. Identifiers: MedGen C4540575, MONDO:0033004, OMIM 263200.
Autosomal recessive polycystic kidney disease (ARPKD). Also called: AR polycystic kidney disease. Identifiers: Orphanet 731, Orphanet 8378, MedGen C0085548, MeSH D017044, MONDO:0009889.

Submissions (3):

PreventionGenetics, part of Exact Sciences
Classification: Uncertain significance for PKHD1-related condition. Last evaluated: 2026-04-11. Review status: criteria provided, single submitter. Criteria: ACMG Guidelines, 2015. Collection method: clinical testing. Allele origin: germline.
Comment: The PKHD1 c.6761T>G variant is predicted to result in the amino acid substitution p.Val2254Gly. To our knowledge, this variant has not been reported in the literature or in a large population database (gnomAD), indicating this variant is rare. At this time, the clinical significance of this variant is uncertain due to the absence of conclusive functional and genetic evidence.

Genesolutions, Medical Genetics Institutes, Ho Chi Minh City, Vietnam
Classification: Pathogenic for Polycystic kidney disease 4. Last evaluated: 2025-09-24. Review status: criteria provided, single submitter. Criteria: ACMG Guidelines, 2015. Collection method: clinical testing. Allele origin: germline. Affected: yes.

Labcorp Genetics (formerly Invitae), Labcorp
Classification: Likely pathogenic for Autosomal recessive polycystic kidney disease. Last evaluated: 2022-05-11. Review status: criteria provided, single submitter. Criteria: Invitae Variant Classification Sherloc (09022015). Collection method: clinical testing. Allele origin: germline.
Comment: This sequence change replaces valine, which is neutral and non-polar, with glycine, which is neutral and non-polar, at codon 2254 of the PKHD1 protein (p.Val2254Gly). In summary, the currently available evidence indicates that the variant is pathogenic, but additional data are needed to prove that conclusively. Therefore, this variant has been classified as Likely Pathogenic. Advanced modeling of protein sequence and biophysical properties (such as structural, functional, and spatial information, amino acid conservation, physicochemical variation, residue mobility, and thermodynamic stability) performed at Invitae indicates that this missense variant is expected to disrupt PKHD1 protein function. This missense change has been observed in individual(s) with polycystic kidney disease (Invitae). In at least one individual the data is consistent with being in trans (on the opposite chromosome) from a pathogenic variant. This variant is not present in population databases (gnomAD no frequency).